The following is an entry in ClinVar:

ClinVar aggregate classification (germline): Uncertain significance. Review status: criteria provided, multiple submitters, no conflicts (2 of 4 stars). 2 submissions from 2 submitters: Uncertain significance (2). Last evaluated 2023-07-25.

Allele frequency attached by ClinVar (database versions not stated): ExAC 0.00003.
gnomAD v4.1: 14 of 1,611,190 alleles (0.00087%); highest among the groups gnomAD compares: East Asian, 0.0045%; no homozygotes.

Submissions (2):

Labcorp Genetics (formerly Invitae), Labcorp
Classification: Uncertain significance. Last evaluated: 2023-07-25. Review status: criteria provided, single submitter. Criteria: Invitae Variant Classification Sherloc (09022015). Collection method: clinical testing. Allele origin: germline.
Comment: In summary, the available evidence is currently insufficient to determine the role of this variant in disease. Therefore, it has been classified as a Variant of Uncertain Significance. An algorithm developed to predict the effect of missense changes on protein structure and function (PolyPhen-2) suggests that this variant is likely to be disruptive. ClinVar contains an entry for this variant (Variation ID: 2523378). This variant has not been reported in the literature in individuals affected with POLE2-related conditions. This variant is present in population databases (rs769049019, gnomAD 0.02%). This sequence change replaces aspartic acid, which is acidic and polar, with asparagine, which is neutral and polar, at codon 476 of the POLE2 protein (p.Asp476Asn).

Ambry Genetics
Classification: Uncertain significance. Last evaluated: 2023-05-09. Review status: criteria provided, single submitter. Criteria: Ambry Variant Classification Scheme 2023. Collection method: clinical testing. Allele origin: germline.

NM_002692.4(POLE2):c.1426G>A (p.Asp476Asn)

Gene: POLE2 (DNA polymerase epsilon 2, accessory subunit; minus strand). Cytogenetic location: 14q21.3.
Variant type: single nucleotide variant.
Coding change: c.1426G>A on transcript NM_002692.4 (MANE Select); coding-DNA position 1426, G replaced by A.
Protein change: p.Asp476Asn; replaces aspartic acid 476 with asparagine.
Molecular consequence: missense variant.
Genome position (GRCh38, 1-based): chr14:49,650,336, C>T on the plus strand (G>A on the coding strand, the complement: POLE2 is on the minus strand). VCF-style: chr14-49650336-C-T. GRCh37 (hg19) VCF-style: chr14-50117054-C-T.
Other names: c.1348G>A, p.Asp450Asn (NM_001197330.2); c.1426G>A, p.Asp476Asn (NM_001197331.3); c.1423G>A, p.Asp475Asn (NM_001348384.2); c.1195G>A, p.Asp399Asn (NM_001348385.2); short protein forms D399N, D475N, D450N, D476N.
Identifiers: ClinVar variation 2523378 (VCV002523378.5), dbSNP rs769049019, ClinGen allele CA7173273.